The following is an entry in ClinVar:

ClinVar aggregate classification (germline): Uncertain significance. Review status: criteria provided, multiple submitters, no conflicts (2 of 4 stars). 2 submissions from 2 submitters: Uncertain significance (2). Last evaluated 2021-10-15.

Conditions:
Hyperekplexia 1 (STHE). Also called: HYPEREKPLEXIA 1, AUTOSOMAL DOMINANT; HYPEREKPLEXIA 1, AUTOSOMAL RECESSIVE; STARTLE DISEASE, FAMILIAL; STIFF-BABY SYNDROME; STIFF-MAN SYNDROME, CONGENITAL; STIFF-PERSON SYNDROME, CONGENITAL. Identifiers: Orphanet 3197, MedGen C4551954, MONDO:0007868, OMIM 149400.
Hereditary hyperekplexia. Identifiers: Orphanet 3197, MedGen C4084968, MONDO:0021022.

Submissions (2):

Labcorp Genetics (formerly Invitae), Labcorp
Classification: Uncertain significance for Hereditary hyperekplexia. Last evaluated: 2021-10-15. Review status: criteria provided, single submitter. Criteria: Invitae Variant Classification Sherloc (09022015). Collection method: clinical testing. Allele origin: germline.
Comment: In summary, the available evidence is currently insufficient to determine the role of this variant in disease. Therefore, it has been classified as a Variant of Uncertain Significance. This sequence change replaces phenylalanine with leucine at codon 17 of the GLRA1 protein (p.Phe17Leu). The phenylalanine residue is moderately conserved and there is a small physicochemical difference between phenylalanine and leucine. This variant is not present in population databases (ExAC no frequency). This variant has not been reported in the literature in individuals affected with GLRA1-related conditions. Algorithms developed to predict the effect of missense changes on protein structure and function (SIFT, PolyPhen-2, Align-GVGD) all suggest that this variant is likely to be tolerated.

ARUP Laboratories, Molecular Genetics and Genomics, ARUP Laboratories
Classification: Uncertain significance for Hyperekplexia 1. Last evaluated: 2021-03-13. Review status: criteria provided, single submitter. Criteria: ARUP Molecular Germline Variant Investigation Process 2021. Collection method: clinical testing. Allele origin: germline.

NM_000171.4(GLRA1):c.49T>C (p.Phe17Leu)

Gene: GLRA1 (glycine receptor alpha 1; minus strand). Cytogenetic location: 5q33.1.
Variant type: single nucleotide variant.
Coding change: c.49T>C on transcript NM_000171.4 (MANE Select); coding-DNA position 49, T replaced by C.
Protein change: p.Phe17Leu; replaces phenylalanine 17 with leucine.
Molecular consequence: missense variant. On other transcripts: 5 prime UTR variant (1).
Genome position (GRCh38, 1-based): chr5:151,924,501, A>G on the plus strand (T>C on the coding strand, the complement: GLRA1 is on the minus strand). VCF-style: chr5-151924501-A-G. GRCh37 (hg19) VCF-style: chr5-151304062-A-G.
Other names: c.49T>C, p.Phe17Leu (NM_001146040.2); c.-73T>C (NM_001292000.2); short protein forms F17L.
Identifiers: ClinVar variation 850027 (VCV000850027.14), dbSNP rs1754959178, ClinGen allele CA361899946.